The following is an entry in ClinVar:

NM_002528.7(NTHL1):c.224A>G (p.Lys75Arg)

Gene: NTHL1 (nth like DNA glycosylase 1; minus strand). Cytogenetic location: 16p13.3.
Variant type: single nucleotide variant.
Coding change: c.224A>G on transcript NM_002528.7 (MANE Select); coding-DNA position 224, A replaced by G.
Protein change: p.Lys75Arg; replaces lysine 75 with arginine.
Molecular consequence: missense variant. On other transcripts: intron variant (1).
Genome position (GRCh38, 1-based): chr16:2,046,258, T>C on the plus strand (A>G on the coding strand, the complement: NTHL1 is on the minus strand). VCF-style: chr16-2046258-T-C. GRCh37 (hg19) VCF-style: chr16-2096259-T-C.
Other names: c.224A>G, p.Lys75Arg (NM_001318193.2); c.24+22A>G (NM_001318194.2); short protein forms K75R.
Identifiers: ClinVar variation 846009 (VCV000846009.11), dbSNP rs2084376094, ClinGen allele CA394297373.
Genomic context (GRCh38, chr16:2,046,258, plus strand): 5'-CTCATGGCACGGATGTTGACCAGCTGTTGCTGCCAGTCCTGGGGCTCCCAGACTGGCACC[T>C]TGAGGGGCTCAGCCCCCTCACCTTTCTCACTGTCCGAGCCCTCATAGGCCACACGCAGTC-3'
Protein context (NP_002519.2, residues 65-85): SEKGEGAEPL[Lys75Arg]VPVWEPQDWQ

ClinVar aggregate classification (germline): Uncertain significance. Review status: criteria provided, multiple submitters, no conflicts (2 of 4 stars). 2 submissions from 2 submitters: Uncertain significance (2). Last evaluated 2025-11-18.

Conditions:
Hereditary cancer-predisposing syndrome. Also called: Tumor predisposition; Hereditary neoplastic syndrome; Neoplastic Syndromes, Hereditary; Hereditary Cancer Syndrome. Identifiers: Orphanet 140162, MedGen C0027672, MeSH D009386, MONDO:0015356.

Allele frequency attached by ClinVar (database versions not stated): gnomAD 0.00001; TOPMed 0.00001.

Submissions (2):

Labcorp Genetics (formerly Invitae), Labcorp
Classification: Uncertain significance. Last evaluated: 2025-11-18. Review status: criteria provided, single submitter. Criteria: Invitae Variant Classification Sherloc (09022015). Collection method: clinical testing. Allele origin: germline.
Comment: This sequence change replaces lysine, which is basic and polar, with arginine, which is basic and polar, at codon 83 of the NTHL1 protein (p.Lys83Arg). This variant is not present in population databases (gnomAD no frequency). This variant has not been reported in the literature in individuals affected with NTHL1-related conditions. ClinVar contains an entry for this variant (Variation ID: 846009). An algorithm developed to predict the effect of missense changes on protein structure and function outputs the following: PolyPhen-2: "Benign". The arginine amino acid residue is found in multiple mammalian species, which suggests that this missense change does not adversely affect protein function. In summary, the available evidence is currently insufficient to determine the role of this variant in disease. Therefore, it has been classified as a Variant of Uncertain Significance.

Ambry Genetics
Classification: Uncertain significance for Hereditary cancer-predisposing syndrome. Last evaluated: 2024-04-28. Review status: criteria provided, single submitter. Criteria: Ambry Variant Classification Scheme 2023. Collection method: clinical testing. Allele origin: germline.
Comment: The p.K83R variant (also known as c.248A>G), located in coding exon 2 of the NTHL1 gene, results from an A to G substitution at nucleotide position 248. The lysine at codon 83 is replaced by arginine, an amino acid with highly similar properties. This amino acid position is not well conserved in available vertebrate species. In addition, this alteration is predicted to be tolerated by in silico analysis. Since supporting evidence is limited at this time, the clinical significance of this alteration remains unclear.